The following is an entry in ClinVar:

NM_001177316.2(SLC34A3):c.543C>A (p.Asp181Glu)

Gene: SLC34A3 (solute carrier family 34 member 3; plus strand). Cytogenetic location: 9q34.3.
Variant type: single nucleotide variant.
Coding change: c.543C>A on transcript NM_001177316.2 (MANE Select); coding-DNA position 543, C replaced by A.
Protein change: p.Asp181Glu; replaces aspartic acid 181 with glutamic acid.
Molecular consequence: missense variant.
Genome position (GRCh38, 1-based): chr9:137,233,098, C>A. VCF-style: chr9-137233098-C-A. GRCh37 (hg19) VCF-style: chr9-140127550-C-A.
Other names: c.543C>A, p.Asp181Glu (NM_001177317.2, NM_080877.3); short protein forms D181E.
Identifiers: ClinVar variation 1058391 (VCV001058391.9), dbSNP rs568970459, ClinGen allele CA201694719.

ClinVar aggregate classification (germline): Uncertain significance (1 of 4 stars; one submission).

Allele frequency attached by ClinVar (database versions not stated): gnomAD exomes below 0.00001.
gnomAD v4.1: 34 of 1,592,558 alleles (0.0021%); highest among the groups gnomAD compares: Non-Finnish European, 0.0027%; no homozygotes.

Submission:

Labcorp Genetics (formerly Invitae), Labcorp
Classification: Uncertain significance. Last evaluated: 2020-11-02. Review status: criteria provided, single submitter. Criteria: Invitae Variant Classification Sherloc (09022015). Collection method: clinical testing. Allele origin: germline.
Comment: Algorithms developed to predict the effect of missense changes on protein structure and function (SIFT, PolyPhen-2, Align-GVGD) all suggest that this variant is likely to be tolerated, but these predictions have not been confirmed by published functional studies and their clinical significance is uncertain. In summary, the available evidence is currently insufficient to determine the role of this variant in disease. Therefore, it has been classified as a Variant of Uncertain Significance. This variant has not been reported in the literature in individuals with SLC34A3-related conditions. This variant is not present in population databases (ExAC no frequency). This sequence change replaces aspartic acid with glutamic acid at codon 181 of the SLC34A3 protein (p.Asp181Glu). The aspartic acid residue is weakly conserved and there is a small physicochemical difference between aspartic acid and glutamic acid.